The following is an entry in ClinVar:

ClinVar aggregate classification (germline): Uncertain significance (1 of 4 stars; one submission).

gnomAD v4.1: 1 of 1,613,608 alleles (0.000062%); highest among the groups gnomAD compares: Non-Finnish European, 0.000085%; no homozygotes.

Submission:

Greenwood Genetic Center Diagnostic Laboratories, Greenwood Genetic Center
Classification: Uncertain significance. Last evaluated: 2022-01-10. Review status: criteria provided, single submitter. Criteria: ACMG Guidelines, 2015. Collection method: clinical testing. Allele origin: germline. Affected: yes.
Comment: PM3_Supporting, PP3, PM2

NM_203290.4(POLR1C):c.647A>G (p.Lys216Arg)

Gene: POLR1C (RNA polymerase I and III subunit C; plus strand). Cytogenetic location: 6p21.1.
Variant type: single nucleotide variant.
Coding change: c.647A>G on transcript NM_203290.4 (MANE Select); coding-DNA position 647, A replaced by G.
Protein change: p.Lys216Arg; replaces lysine 216 with arginine.
Molecular consequence: missense variant.
Genome position (GRCh38, 1-based): chr6:43,520,419, A>G. VCF-style: chr6-43520419-A-G. GRCh37 (hg19) VCF-style: chr6-43488157-A-G.
Other names: c.647A>G, p.Lys216Arg (NM_001318876.2, NM_001363658.2); short protein forms K216R.
Identifiers: ClinVar variation 1676473 (VCV001676473.3), dbSNP rs2127690526, ClinGen allele CA364284151.